The following is an entry in ClinVar:

NM_213720.3(CHCHD10):c.151A>G (p.Thr51Ala)

Gene: CHCHD10 (coiled-coil-helix-coiled-coil-helix domain containing 10; minus strand). Cytogenetic location: 22q11.23.
Variant type: single nucleotide variant.
Coding change: c.151A>G on transcript NM_213720.3 (MANE Select); coding-DNA position 151, A replaced by G.
Protein change: p.Thr51Ala; replaces threonine 51 with alanine.
Molecular consequence: missense variant. On other transcripts: non-coding transcript variant (1).
Genome position (GRCh38, 1-based): chr22:23,767,484, T>C on the plus strand (A>G on the coding strand, the complement: CHCHD10 is on the minus strand). VCF-style: chr22-23767484-T-C. GRCh37 (hg19) VCF-style: chr22-24109671-T-C.
Other names: c.151A>G, p.Thr51Ala (NM_001301339.2); short protein forms T51A.
Identifiers: ClinVar variation 655109 (VCV000655109.10), dbSNP rs1287389347, ClinGen allele CA410916470.

ClinVar aggregate classification (germline): Uncertain significance. Review status: criteria provided, multiple submitters, no conflicts (2 of 4 stars). 2 submissions from 2 submitters: Uncertain significance (2). Last evaluated 2024-10-23.

Conditions:
Inborn genetic diseases. Identifiers: MedGen C0950123, MeSH D030342.
Lower motor neuron syndrome with late-adult onset (SMAJ). Also called: Spinal muscular atrophy, Jokela type; Late-Onset Spinal Motor Neuronopathy (SMAJ). Identifiers: Orphanet 276435, MedGen C3554398, MONDO:0014025, OMIM 615048.
Frontotemporal dementia and/or amyotrophic lateral sclerosis 2. Also called: FTDALS2. Identifiers: Orphanet 275872, MedGen C4014648, MONDO:0014395, OMIM 615911.
Autosomal dominant mitochondrial myopathy with exercise intolerance (IMMD). Also called: Myopathy, isolated mitochondrial, autosomal dominant. Identifiers: Orphanet 457050, MedGen C4015513, MONDO:0014532, OMIM 616209.

Allele frequency attached by ClinVar (database versions not stated): gnomAD exomes 0.00001; TOPMed 0.00002; gnomAD 0.00002.
gnomAD v4.1: 11 of 1,558,450 alleles (0.00071%); highest among the groups gnomAD compares: Non-Finnish European, 0.00095%; no homozygotes.

Submissions (2):

Labcorp Genetics (formerly Invitae), Labcorp
Classification: Uncertain significance for Lower motor neuron syndrome with late-adult onset; Frontotemporal dementia and/or amyotrophic lateral sclerosis 2; Autosomal dominant mitochondrial myopathy with exercise intolerance. Last evaluated: 2024-10-23. Review status: criteria provided, single submitter. Criteria: Invitae Variant Classification Sherloc (09022015). Collection method: clinical testing. Allele origin: germline.
Comment: This sequence change replaces threonine, which is neutral and polar, with alanine, which is neutral and non-polar, at codon 51 of the CHCHD10 protein (p.Thr51Ala). This variant is not present in population databases (gnomAD no frequency). This variant has not been reported in the literature in individuals affected with CHCHD10-related conditions. ClinVar contains an entry for this variant (Variation ID: 655109). An algorithm developed to predict the effect of missense changes on protein structure and function (PolyPhen-2) suggests that this variant is likely to be disruptive. In summary, the available evidence is currently insufficient to determine the role of this variant in disease. Therefore, it has been classified as a Variant of Uncertain Significance.

Ambry Genetics
Classification: Uncertain significance for Inborn genetic diseases. Last evaluated: 2020-11-06. Review status: criteria provided, single submitter. Criteria: Ambry Variant Classification Scheme 2023. Collection method: clinical testing. Allele origin: germline.
Comment: The p.T51A variant (also known as c.151A>G), located in coding exon 2 of the CHCHD10 gene, results from an A to G substitution at nucleotide position 151. The threonine at codon 51 is replaced by alanine, an amino acid with similar properties. This amino acid position is highly conserved in available vertebrate species. In addition, the in silico prediction for this alteration is inconclusive. Since supporting evidence is limited at this time, the clinical significance of this alteration remains unclear.